The following is an entry in ClinVar:

NM_001130987.2(DYSF):c.5921CAGCCAAGA[1] (p.Thr1977_Lys1979del)

Gene: DYSF (dysferlin; plus strand). Cytogenetic location: 2p13.2.
Variant type: Microsatellite.
Coding change: c.5921CAGCCAAGA[1] on transcript NM_001130987.2 (MANE Select); one copy of the 9-base unit CAGCCAAGA starting at c.5921; the reference has two copies in a row; one copy, 9 bases deleted.
Protein change: p.Thr1977_Lys1979del.
Molecular consequence: inframe deletion.
Genome position (GRCh38, 1-based): chr2:71,679,102-71,679,110, CAGCCAAGA deleted; deleting any 9 consecutive bases within chr2:71,679,093-71,679,110 gives the same sequence; the position shown is the placement nearest the transcript's 3' end. VCF-style (leftmost placement, unchanged base first): chr2-71679092-CCAGCCAAGA-C. GRCh37 (hg19) VCF-style: chr2-71906222-CCAGCCAAGA-C.
Other names: c.5807CAGCCAAGA[1], p.Thr1939_Lys1941del (NM_001130455.2); c.5762CAGCCAAGA[1], p.Thr1924_Lys1926del (NM_001130976.2); c.5825CAGCCAAGA[1], p.Thr1945_Lys1947del (NM_001130977.2); c.5867CAGCCAAGA[1], p.Thr1959_Lys1961del (NM_001130978.2); c.5897CAGCCAAGA[1], p.Thr1969_Lys1971del (NM_001130979.2); c.5855CAGCCAAGA[1], p.Thr1955_Lys1957del (NM_001130980.2); c.5918CAGCCAAGA[1], p.Thr1976_Lys1978del (NM_001130981.2); c.5900CAGCCAAGA[1], p.Thr1970_Lys1972del (NM_001130982.2); and 5 more.
Identifiers: ClinVar variation 2203094 (VCV002203094.4), dbSNP rs2152967769, ClinGen allele CA1139532924.
Genomic context (GRCh38, chr2:71,679,092, plus strand): 5'-GCCAAAAACTACCTCTCTGTTGCAGGCTCCCTGCAGCTCGATCTCAACCGCATGCCCAAG[CCAGCCAAGA>C]CAGCCAAGAAGTGCTCCTTGGACCAGCTGGATGATGCTTTCCACCCAGAATGGTTTGTGT-3'

ClinVar aggregate classification (germline): Likely pathogenic (1 of 4 stars; one submission).

Conditions:
Neuromuscular disease caused by qualitative or quantitative defects of dysferlin. Also called: Dysferlinopathy; Qualitative or quantitative defects of dysferlin. Identifiers: Orphanet 207073, MedGen C2931687, MONDO:0016145.

Submission:

Labcorp Genetics (formerly Invitae), Labcorp
Classification: Likely pathogenic for Neuromuscular disease caused by qualitative or quantitative defects of dysferlin. Last evaluated: 2024-04-25. Review status: criteria provided, single submitter. Criteria: Invitae Variant Classification Sherloc (09022015). Collection method: clinical testing. Allele origin: germline.
Comment: This variant, c.5813_5821del, results in the deletion of 3 amino acid(s) of the DYSF protein (p.Thr1938_Lys1940del), but otherwise preserves the integrity of the reading frame. This variant is not present in population databases (gnomAD no frequency). This variant has been observed in individual(s) with clinical features of limb-girdle muscular dystrophy and/or Miyoshi muscular dystrophy (PMID: 17698709, 17994539, 21522182; Invitae). In summary, the currently available evidence indicates that the variant is pathogenic, but additional data are needed to prove that conclusively. Therefore, this variant has been classified as Likely Pathogenic.

Literature cited by the submitters: PubMed 17698709; PubMed 17994539; PubMed 21522182.